The following is an entry in ClinVar:

ClinVar aggregate classification (germline): Uncertain significance (1 of 4 stars; one submission).

Submission:

GeneDx
Classification: Uncertain significance. Last evaluated: 2023-03-03. Review status: criteria provided, single submitter. Criteria: GeneDx Variant Classification Process June 2021. Collection method: clinical testing. Allele origin: germline. Affected: yes.
Comment: Not observed in large population cohorts (gnomAD); Missense variants in this gene are often considered pathogenic (HGMD); In silico analysis supports that this missense variant has a deleterious effect on protein structure/function; Has not been previously published as pathogenic or benign to our knowledge

NM_006086.4(TUBB3):c.970A>C (p.Lys324Gln)

Gene: TUBB3 (tubulin beta 3 class III; plus strand). Cytogenetic location: 16q24.3.
Variant type: single nucleotide variant.
Coding change: c.970A>C on transcript NM_006086.4 (MANE Select); coding-DNA position 970, A replaced by C.
Protein change: p.Lys324Gln; replaces lysine 324 with glutamine.
Molecular consequence: missense variant.
Genome position (GRCh38, 1-based): chr16:89,935,421, A>C. VCF-style: chr16-89935421-A-C. GRCh37 (hg19) VCF-style: chr16-90001829-A-C.
Other names: c.754A>C, p.Lys252Gln (NM_001197181.2); short protein forms K252Q, K324Q.
Identifiers: ClinVar variation 2442611 (VCV002442611.1), dbSNP rs2544627935, ClinGen allele CA397476174.